The following is an entry in ClinVar:

ClinVar aggregate classification (germline): Uncertain significance (1 of 4 stars; one submission).

Conditions:
Retinitis pigmentosa 71 (RP71). Identifiers: Orphanet 791, MedGen C4225342, MONDO:0014618, OMIM 616394.
Short-rib thoracic dysplasia 10 with or without polydactyly (SRTD10). Identifiers: Orphanet 474, MedGen C3810175, MONDO:0014284, OMIM 615630.

Submission:

Labcorp Genetics (formerly Invitae), Labcorp
Classification: Uncertain significance for Retinitis pigmentosa 71; Short-rib thoracic dysplasia 10 with or without polydactyly. Last evaluated: 2022-06-24. Review status: criteria provided, single submitter. Criteria: Invitae Variant Classification Sherloc (09022015). Collection method: clinical testing. Allele origin: germline.
Comment: In summary, the available evidence is currently insufficient to determine the role of this variant in disease. Therefore, it has been classified as a Variant of Uncertain Significance. Algorithms developed to predict the effect of missense changes on protein structure and function are either unavailable or do not agree on the potential impact of this missense change (SIFT: "Deleterious"; PolyPhen-2: "Probably Damaging"; Align-GVGD: "Class C0"). This variant has not been reported in the literature in individuals affected with IFT172-related conditions. This variant is not present in population databases (gnomAD no frequency). This sequence change replaces alanine, which is neutral and non-polar, with aspartic acid, which is acidic and polar, at codon 990 of the IFT172 protein (p.Ala990Asp).

NM_015662.3(IFT172):c.2969C>A (p.Ala990Asp)

Gene: IFT172 (intraflagellar transport 172; minus strand). Cytogenetic location: 2p23.3.
Variant type: single nucleotide variant.
Coding change: c.2969C>A on transcript NM_015662.3 (MANE Select); coding-DNA position 2969, C replaced by A.
Protein change: p.Ala990Asp; replaces alanine 990 with aspartic acid.
Molecular consequence: missense variant.
Genome position (GRCh38, 1-based): chr2:27,458,132, G>T on the plus strand (C>A on the coding strand, the complement: IFT172 is on the minus strand). VCF-style: chr2-27458132-G-T. GRCh37 (hg19) VCF-style: chr2-27680999-G-T.
Other names: c.2903C>A, p.Ala968Asp (NM_001410739.1); short protein forms A968D, A990D.
Identifiers: ClinVar variation 2010134 (VCV002010134.4), dbSNP rs747711159, ClinGen allele CA346380997.